The following is an entry in ClinVar:

NM_003664.5(AP3B1):c.946G>A (p.Val316Ile)

Gene: AP3B1 (adaptor related protein complex 3 subunit beta 1; minus strand). Cytogenetic location: 5q14.1.
Variant type: single nucleotide variant.
Coding change: c.946G>A on transcript NM_003664.5 (MANE Select); coding-DNA position 946, G replaced by A.
Protein change: p.Val316Ile; replaces valine 316 with isoleucine.
Molecular consequence: missense variant.
Genome position (GRCh38, 1-based): chr5:78,177,433, C>T on the plus strand (G>A on the coding strand, the complement: AP3B1 is on the minus strand). VCF-style: chr5-78177433-C-T. GRCh37 (hg19) VCF-style: chr5-77473257-C-T.
Other names: c.799G>A, p.Val267Ile (NM_001271769.2); short protein forms V316I, V267I.
Identifiers: ClinVar variation 948203 (VCV000948203.9), dbSNP rs1744194052, ClinGen allele CA360189868.

ClinVar aggregate classification (germline): Uncertain significance (1 of 4 stars; one submission).

Conditions:
Hermansky-Pudlak syndrome 2 (HPS2). Also called: Platelet defects and oculocutaneous albinism. Identifiers: Orphanet 183678, Orphanet 79430, MedGen C1842362, MONDO:0011997, OMIM 608233.

Submission:

Labcorp Genetics (formerly Invitae), Labcorp
Classification: Uncertain significance for Hermansky-Pudlak syndrome 2. Last evaluated: 2019-04-24. Review status: criteria provided, single submitter. Criteria: Invitae Variant Classification Sherloc (09022015). Collection method: clinical testing. Allele origin: germline.
Comment: In summary, the available evidence is currently insufficient to determine the role of this variant in disease. Therefore, it has been classified as a Variant of Uncertain Significance. This sequence change replaces valine with isoleucine at codon 316 of the AP3B1 protein (p.Val316Ile). The valine residue is highly conserved and there is a small physicochemical difference between valine and isoleucine. This variant is not present in population databases (ExAC no frequency). This variant has not been reported in the literature in individuals with AP3B1-related conditions. Algorithms developed to predict the effect of missense changes on protein structure and function are either unavailable or do not agree on the potential impact of this missense change (SIFT: "Tolerated"; PolyPhen-2: "Probably Damaging"; Align-GVGD: "Class C0").